The following is an entry in ClinVar:

ClinVar aggregate classification (germline): Uncertain significance. Review status: criteria provided, multiple submitters, no conflicts (2 of 4 stars). 3 submissions from 3 submitters: Uncertain significance (3). Last evaluated 2025-11-01.

Conditions:
Familial thoracic aortic aneurysm and aortic dissection (TAAD). Also called: Thoracic aortic aneurysms and dissections. Identifiers: Orphanet 91387, MedGen C4707243, MONDO:0019625.
Adams-Oliver syndrome 5 (AOS5). Identifiers: Orphanet 974, MedGen C4014970, MONDO:0014459, OMIM 616028.

Allele frequency attached by ClinVar (database versions not stated): TOPMed below 0.00001; gnomAD 0.00001; gnomAD exomes 0.00001.
gnomAD v4.1: 11 of 1,612,894 alleles (0.00068%); highest among the groups gnomAD compares: South Asian, 0.0033%; no homozygotes.

Submissions (3):

Mayo Clinic Laboratories, Mayo Clinic
Classification: Uncertain significance. Last evaluated: 2025-11-01. Review status: criteria provided, single submitter. Criteria: ACMG Guidelines, 2015. Collection method: clinical testing. Allele origin: germline. Observed: 1 variant allele.
Comment: BP4

Ambry Genetics
Classification: Uncertain significance for Familial thoracic aortic aneurysm and aortic dissection. Last evaluated: 2023-04-28. Review status: criteria provided, single submitter. Criteria: Ambry Variant Classification Scheme 2023. Collection method: clinical testing. Allele origin: germline.
Comment: The p.R1082C variant (also known as c.3244C>T), located in coding exon 20 of the NOTCH1 gene, results from a C to T substitution at nucleotide position 3244. The arginine at codon 1082 is replaced by cysteine, an amino acid with highly dissimilar properties. This amino acid position is conserved. In addition, this alteration is predicted to be tolerated by in silico analysis. Since supporting evidence is limited at this time, the clinical significance of this alteration remains unclear.

Labcorp Genetics (formerly Invitae), Labcorp
Classification: Uncertain significance for Adams-Oliver syndrome 5. Last evaluated: 2022-03-03. Review status: criteria provided, single submitter. Criteria: Invitae Variant Classification Sherloc (09022015). Collection method: clinical testing. Allele origin: germline.
Comment: In summary, the available evidence is currently insufficient to determine the role of this variant in disease. Therefore, it has been classified as a Variant of Uncertain Significance. Advanced modeling of protein sequence and biophysical properties (such as structural, functional, and spatial information, amino acid conservation, physicochemical variation, residue mobility, and thermodynamic stability) performed at Invitae indicates that this missense variant is not expected to disrupt NOTCH1 protein function. ClinVar contains an entry for this variant (Variation ID: 859334). This variant has not been reported in the literature in individuals affected with NOTCH1-related conditions. This variant is not present in population databases (gnomAD no frequency). This sequence change replaces arginine, which is basic and polar, with cysteine, which is neutral and slightly polar, at codon 1082 of the NOTCH1 protein (p.Arg1082Cys).

NM_017617.5(NOTCH1):c.3244C>T (p.Arg1082Cys)

Gene: NOTCH1 (notch receptor 1; minus strand). Cytogenetic location: 9q34.3.
Variant type: single nucleotide variant.
Coding change: c.3244C>T on transcript NM_017617.5 (MANE Select); coding-DNA position 3244, C replaced by T.
Protein change: p.Arg1082Cys; replaces arginine 1082 with cysteine.
Molecular consequence: missense variant.
Genome position (GRCh38, 1-based): chr9:136,508,313, G>A on the plus strand (C>T on the coding strand, the complement: NOTCH1 is on the minus strand). VCF-style: chr9-136508313-G-A. GRCh37 (hg19) VCF-style: chr9-139402765-G-A.
Other names: p.Arg1082Cys; short protein forms R1082C.
Identifiers: ClinVar variation 859334 (VCV000859334.12), dbSNP rs1386494518, ClinGen allele CA375552178.
Genomic context (GRCh38, chr9:136,508,313, plus strand): 5'-CACAGGACACGCTGGGCACGTCGCAGTAAAGGCCGGTCCAGCCGCTGGGGCACTCGCAGC[G>A]GTACTGGGTGTGGGTCTGCCAGCATTTGCCGCCGTTCTTGCAGGGCGAGGAGTCACACCA-3'
Protein context (NP_060087.3, residues 1072-1092): GKCWQTHTQY[Arg1082Cys]CECPSGWTGL